The following is an entry in ClinVar:

ClinVar aggregate classification (germline): Uncertain significance. Review status: criteria provided, multiple submitters, no conflicts (2 of 4 stars). 2 submissions from 2 submitters: Uncertain significance (2). Last evaluated 2022-06-13.

Conditions:
Inborn genetic diseases. Identifiers: MedGen C0950123, MeSH D030342.
Kufor-Rakeb syndrome (KRS). Also called: PARKINSON DISEASE 9, AUTOSOMAL RECESSIVE, JUVENILE-ONSET. Identifiers: Orphanet 306674, Orphanet 314632, MedGen C1847640, MONDO:0011706, OMIM 606693.
Autosomal recessive spastic paraplegia type 78. Identifiers: Orphanet 513436, MedGen C5567893, MONDO:0014975, OMIM 617225.

Allele frequency attached by ClinVar (database versions not stated): ExAC below 0.00001; gnomAD 0.00003; gnomAD exomes 0.00004 and 0.00006; TOPMed 0.00004; 1000 Genomes Project 30x 0.00016; 1000 Genomes Project 0.00020.
gnomAD v4.1: 100 of 1,590,874 alleles (0.0063%); highest among the groups gnomAD compares: Non-Finnish European, 0.0071%; no homozygotes.

Submissions (2):

Labcorp Genetics (formerly Invitae), Labcorp
Classification: Uncertain significance for Kufor-Rakeb syndrome; Autosomal recessive spastic paraplegia type 78. Last evaluated: 2022-06-13. Review status: criteria provided, single submitter. Criteria: Invitae Variant Classification Sherloc (09022015). Collection method: clinical testing. Allele origin: germline.
Comment: ClinVar contains an entry for this variant (Variation ID: 646609). In summary, the available evidence is currently insufficient to determine the role of this variant in disease. Therefore, it has been classified as a Variant of Uncertain Significance. Advanced modeling of protein sequence and biophysical properties (such as structural, functional, and spatial information, amino acid conservation, physicochemical variation, residue mobility, and thermodynamic stability) performed at Invitae indicates that this missense variant is not expected to disrupt ATP13A2 protein function. This variant has not been reported in the literature in individuals affected with ATP13A2-related conditions. The frequency data for this variant in the population databases is considered unreliable, as metrics indicate poor data quality at this position in the gnomAD database. This sequence change replaces arginine, which is basic and polar, with histidine, which is basic and polar, at codon 545 of the ATP13A2 protein (p.Arg545His).

Ambry Genetics
Classification: Uncertain significance for Inborn genetic diseases. Last evaluated: 2021-11-08. Review status: criteria provided, single submitter. Criteria: Ambry Variant Classification Scheme 2023. Collection method: clinical testing. Allele origin: germline.

NM_022089.4(ATP13A2):c.1634G>A (p.Arg545His)

Gene: ATP13A2 (ATPase cation transporting 13A2; minus strand). Cytogenetic location: 1p36.13.
Variant type: single nucleotide variant.
Coding change: c.1634G>A on transcript NM_022089.4 (MANE Select); coding-DNA position 1634, G replaced by A.
Protein change: p.Arg545His; replaces arginine 545 with histidine.
Molecular consequence: missense variant.
Genome position (GRCh38, 1-based): chr1:16,993,744, C>T on the plus strand (G>A on the coding strand, the complement: ATP13A2 is on the minus strand). VCF-style: chr1-16993744-C-T. GRCh37 (hg19) VCF-style: chr1-17320239-C-T.
Other names: c.1619G>A, p.Arg540His (NM_001141973.3, NM_001141974.3); c.1634G>A (NM_022089.2); short protein forms R540H, R545H.
Identifiers: ClinVar variation 646609 (VCV000646609.7), dbSNP rs200337290, ClinGen allele CA637132.